The following is an entry in ClinVar:

ClinVar aggregate classification (germline): Uncertain significance (1 of 4 stars; one submission).

Submission:

Labcorp Genetics (formerly Invitae), Labcorp
Classification: Uncertain significance. Last evaluated: 2022-08-02. Review status: criteria provided, single submitter. Criteria: Invitae Variant Classification Sherloc (09022015). Collection method: clinical testing. Allele origin: germline.
Comment: In summary, the available evidence is currently insufficient to determine the role of this variant in disease. Therefore, it has been classified as a Variant of Uncertain Significance. Algorithms developed to predict the effect of missense changes on protein structure and function (SIFT, PolyPhen-2, Align-GVGD) all suggest that this variant is likely to be tolerated. This variant has not been reported in the literature in individuals affected with KIF11-related conditions. This variant is not present in population databases (gnomAD no frequency). This sequence change replaces valine, which is neutral and non-polar, with leucine, which is neutral and non-polar, at codon 798 of the KIF11 protein (p.Val798Leu).

NM_004523.4(KIF11):c.2392G>C (p.Val798Leu)

Gene: KIF11 (kinesin family member 11; plus strand). Cytogenetic location: 10q23.33.
Variant type: single nucleotide variant.
Coding change: c.2392G>C on transcript NM_004523.4 (MANE Select); coding-DNA position 2392, G replaced by C.
Protein change: p.Val798Leu; replaces valine 798 with leucine.
Molecular consequence: missense variant.
Genome position (GRCh38, 1-based): chr10:92,645,487, G>C. VCF-style: chr10-92645487-G-C. GRCh37 (hg19) VCF-style: chr10-94405244-G-C.
Other names: short protein forms V798L.
Identifiers: ClinVar variation 2122750 (VCV002122750.4), dbSNP rs2492536682, ClinGen allele CA377594125.
Genomic context (GRCh38, chr10:92,645,487, plus strand): 5'-GGCTTCTCACAGGAACTCAGAAATTTTAACCAAGAAGGTACAAAATTGGTTGAAGAATCT[G>C]TGAAACACTCTGATAAACTCAATGGCAACCTGGAAAAAATATCTCAAGAGACTGAACAGA-3'
Protein context (NP_004514.2, residues 788-808): QEGTKLVEES[Val798Leu]KHSDKLNGNL